The following is an entry in ClinVar:

ClinVar aggregate classification (germline): Likely benign. Review status: criteria provided, multiple submitters, no conflicts (2 of 4 stars). 3 submissions from 3 submitters: Likely benign (3). Last evaluated 2026-01-19.

Conditions:
SCN11A-related disorder. Also called: SCN11A-related condition.
Hereditary sensory and autonomic neuropathy type 7. Also called: HSAN VII; Neuropathy, hereditary sensory and autonomic, type VII. Identifiers: Orphanet 391397, MedGen C3809882, MONDO:0014244, OMIM 615548.
Familial episodic pain syndrome with predominantly lower limb involvement. Also called: Episodic pain syndrome, familial, 3. Identifiers: Orphanet 391384, Orphanet 391392, MedGen C3809899, MONDO:0014247, OMIM 615552.
Inborn genetic diseases. Identifiers: MedGen C0950123, MeSH D030342.

Allele frequency attached by ClinVar (database versions not stated): TOPMed 0.00003; ExAC 0.00011; gnomAD exomes 0.00012.
gnomAD v4.1: 23 of 1,613,652 alleles (0.0014%); highest among the groups gnomAD compares: East Asian, 0.047%; no homozygotes.

Submissions (3):

Labcorp Genetics (formerly Invitae), Labcorp
Classification: Likely benign for Familial episodic pain syndrome with predominantly lower limb involvement; Hereditary sensory and autonomic neuropathy type 7. Last evaluated: 2026-01-19. Review status: criteria provided, single submitter. Criteria: Invitae Variant Classification Sherloc (09022015). Collection method: clinical testing. Allele origin: germline.

PreventionGenetics, part of Exact Sciences
Classification: Likely benign for SCN11A-related condition. Last evaluated: 2025-09-03. Review status: criteria provided, single submitter. Criteria: ACMG Guidelines, 2015. Collection method: clinical testing. Allele origin: germline.
Comment: This variant is classified as likely benign based on ACMG/AMP sequence variant interpretation guidelines (Richards et al. 2015 PMID: 25741868, with internal and published modifications).

Ambry Genetics
Classification: Likely benign for Inborn genetic diseases. Last evaluated: 2023-12-12. Review status: criteria provided, single submitter. Criteria: Ambry Variant Classification Scheme 2023. Collection method: clinical testing. Allele origin: germline.

NM_001349253.2(SCN11A):c.4153G>A (p.Ala1385Thr)

Gene: SCN11A (sodium voltage-gated channel alpha subunit 11; minus strand). Cytogenetic location: 3p22.2.
Variant type: single nucleotide variant.
Coding change: c.4153G>A on transcript NM_001349253.2 (MANE Select); coding-DNA position 4153, G replaced by A.
Protein change: p.Ala1385Thr; replaces alanine 1385 with threonine.
Molecular consequence: missense variant.
Genome position (GRCh38, 1-based): chr3:38,850,655, C>T on the plus strand (G>A on the coding strand, the complement: SCN11A is on the minus strand). VCF-style: chr3-38850655-C-T. GRCh37 (hg19) VCF-style: chr3-38892146-C-T.
Other names: c.4153G>A, p.Ala1385Thr (NM_014139.3); short protein forms A1385T.
Identifiers: ClinVar variation 774059 (VCV000774059.7), dbSNP rs755650500, ClinGen allele CA2321586.